The following is an entry in ClinVar:

NM_144670.6(A2ML1):c.748A>C (p.Met250Leu)

Gene: A2ML1 (alpha-2-macroglobulin like 1; plus strand). Cytogenetic location: 12p13.31.
Variant type: single nucleotide variant.
Coding change: c.748A>C on transcript NM_144670.6 (MANE Select); coding-DNA position 748, A replaced by C.
Protein change: p.Met250Leu; replaces methionine 250 with leucine.
Molecular consequence: missense variant.
Genome position (GRCh38, 1-based): chr12:8,837,459, A>C. VCF-style: chr12-8837459-A-C. GRCh37 (hg19) VCF-style: chr12-8990055-A-C.
Other names: c.748A>C (NM_144670.3); short protein forms M250L.
Identifiers: ClinVar variation 1438772 (VCV001438772.10), dbSNP rs377672586, ClinGen allele CA232671615.

ClinVar aggregate classification (germline): Uncertain significance. Review status: criteria provided, multiple submitters, no conflicts (2 of 4 stars). 2 submissions from 2 submitters: Uncertain significance (2). Last evaluated 2025-05-27.

Allele frequency attached by ClinVar (database versions not stated): gnomAD exomes below 0.00001; gnomAD 0.00003; TOPMed 0.00003; ESP Exome Variant Server 0.00008.
gnomAD v4.1: 7 of 1,613,986 alleles (0.00043%); highest among the groups gnomAD compares: Non-Finnish European, 0.00059%; no homozygotes.

Submissions (2):

Ambry Genetics
Classification: Uncertain significance. Last evaluated: 2025-05-27. Review status: criteria provided, single submitter. Criteria: Ambry Variant Classification Scheme 2023. Collection method: clinical testing. Allele origin: germline.
Comment: The p.M250L variant (also known as c.748A>C), located in coding exon 8 of the A2ML1 gene, results from an A to C substitution at nucleotide position 748. The methionine at codon 250 is replaced by leucine, an amino acid with highly similar properties. This amino acid position is conserved. In addition, this alteration is predicted to be tolerated by in silico analysis. Since supporting evidence is limited at this time, the clinical significance of this alteration remains unclear.

Labcorp Genetics (formerly Invitae), Labcorp
Classification: Uncertain significance. Last evaluated: 2021-05-03. Review status: criteria provided, single submitter. Criteria: Invitae Variant Classification Sherloc (09022015). Collection method: clinical testing. Allele origin: germline.
Comment: This sequence change replaces methionine with leucine at codon 250 of the A2ML1 protein (p.Met250Leu). The methionine residue is weakly conserved and there is a small physicochemical difference between methionine and leucine. This variant is not present in population databases (ExAC no frequency). This variant has not been reported in the literature in individuals with A2ML1-related conditions. Algorithms developed to predict the effect of missense changes on protein structure and function (SIFT, PolyPhen-2, Align-GVGD) all suggest that this variant is likely to be tolerated, but these predictions have not been confirmed by published functional studies and their clinical significance is uncertain. In summary, the available evidence is currently insufficient to determine the role of this variant in disease. Therefore, it has been classified as a Variant of Uncertain Significance.